The following is an entry in ClinVar:

ClinVar aggregate classification (germline): Benign. Review status: criteria provided, multiple submitters, no conflicts (2 of 4 stars). 3 submissions from 3 submitters: Benign (3). Last evaluated 2026-01-01.

Allele frequency attached by ClinVar (database versions not stated): ExAC 0.00468; gnomAD 0.01424 and 0.01498; TOPMed 0.01532; ESP Exome Variant Server 0.01592; 1000 Genomes Project 0.02057; 1000 Genomes Project 30x 0.02186.

Submissions (3):

CeGaT Center for Human Genetics Tuebingen
Classification: Benign. Last evaluated: 2026-01-01. Review status: criteria provided, single submitter. Criteria: CeGaT Center For Human Genetics Tuebingen Variant Classification Criteria Version 2. Collection method: clinical testing. Allele origin: germline. Affected: yes. Observed: 4 variant alleles.
Comment: TSPOAP1: BP4, BS1, BS2

Labcorp Genetics (formerly Invitae), Labcorp
Classification: Benign. Last evaluated: 2018-07-06. Review status: criteria provided, single submitter. Criteria: Invitae Variant Classification Sherloc (09022015). Collection method: clinical testing. Allele origin: germline.

Breakthrough Genomics
Classification: Benign. Review status: criteria provided, single submitter. Criteria: ACMG Guidelines, 2015. Collection method: not provided. Allele origin: germline. Inheritance: Unknown mechanism. Affected: yes.

NM_004758.4(TSPOAP1):c.4636C>T (p.Pro1546Ser)

Gene: TSPOAP1 (TSPO associated protein 1; minus strand). Cytogenetic location: 17q22.
Variant type: single nucleotide variant.
Coding change: c.4636C>T on transcript NM_004758.4 (MANE Select); coding-DNA position 4636, C replaced by T.
Protein change: p.Pro1546Ser; replaces proline 1546 with serine.
Molecular consequence: missense variant.
Genome position (GRCh38, 1-based): chr17:58,308,636, G>A on the plus strand (C>T on the coding strand, the complement: TSPOAP1 is on the minus strand). VCF-style: chr17-58308636-G-A. GRCh37 (hg19) VCF-style: chr17-56385997-G-A.
Other names: c.4636C>T, p.Pro1546Ser (NM_001261835.2); c.4456C>T, p.Pro1486Ser (NM_024418.3); short protein forms P1486S, P1546S.
Identifiers: ClinVar variation 768901 (VCV000768901.12), dbSNP rs61732758, ClinGen allele CA8671534.